The following is an entry in ClinVar:

ClinVar aggregate classification (germline): Uncertain significance (1 of 4 stars; one submission).

Conditions:
Inborn genetic diseases. Identifiers: MedGen C0950123, MeSH D030342.

gnomAD v4.1: 4 of 1,612,010 alleles (0.00025%); highest among the groups gnomAD compares: Non-Finnish European, 0.00034%; no homozygotes.

Submission:

Ambry Genetics
Classification: Uncertain significance for Inborn genetic diseases. Last evaluated: 2025-11-30. Review status: criteria provided, single submitter. Criteria: Ambry Variant Classification Scheme 2023. Collection method: clinical testing. Allele origin: germline.
Comment: The p.I695M variant (also known as c.2085C>G), located in coding exon 23 of the RTEL1 gene, results from a C to G substitution at nucleotide position 2085. The isoleucine at codon 695 is replaced by methionine, an amino acid with highly similar properties. This amino acid position is conserved. In addition, this alteration is predicted to be deleterious by in silico analysis. Based on the available evidence, the clinical significance of this variant remains unclear.

NM_001283009.2(RTEL1):c.2085C>G (p.Ile695Met)

Genes: RTEL1 (regulator of telomere elongation helicase 1; plus strand), RTEL1-TNFRSF6B (RTEL1-TNFRSF6B readthrough (NMD candidate); plus strand). Cytogenetic location: 20q13.33.
Variant type: single nucleotide variant.
Coding change: c.2085C>G on transcript NM_001283009.2 (MANE Select); coding-DNA position 2085, C replaced by G.
Protein change: p.Ile695Met; replaces isoleucine 695 with methionine.
Molecular consequence: missense variant. On other transcripts: non-coding transcript variant (1).
Genome position (GRCh38, 1-based): chr20:63,689,809, C>G. VCF-style: chr20-63689809-C-G. GRCh37 (hg19) VCF-style: chr20-62321162-C-G.
Other names: c.1416C>G, p.Ile472Met (NM_001283010.1); c.2085C>G, p.Ile695Met (NM_016434.4); c.2157C>G, p.Ile719Met (NM_032957.5); short protein forms I472M, I719M, I695M.
Identifiers: ClinVar variation 4629632 (VCV004629632.1).